The following is an entry in ClinVar:

ClinVar aggregate classification (germline): Uncertain significance (1 of 4 stars; one submission).

Allele frequency attached by ClinVar (database versions not stated): ExAC 0.00001; gnomAD exomes below 0.00001; TOPMed 0.00001; gnomAD 0.00002.
gnomAD v4.1: 3 of 1,614,000 alleles (0.00019%); highest among the groups gnomAD compares: African/African-American, 0.0027%; no homozygotes.

Submission:

Labcorp Genetics (formerly Invitae), Labcorp
Classification: Uncertain significance. Last evaluated: 2022-07-19. Review status: criteria provided, single submitter. Criteria: Invitae Variant Classification Sherloc (09022015). Collection method: clinical testing. Allele origin: germline.
Comment: This sequence change replaces isoleucine, which is neutral and non-polar, with valine, which is neutral and non-polar, at codon 3593 of the USH2A protein (p.Ile3593Val). This variant is present in population databases (rs746312367, gnomAD 0.0009%). This variant has not been reported in the literature in individuals affected with USH2A-related conditions. ClinVar contains an entry for this variant (Variation ID: 1502526). Algorithms developed to predict the effect of missense changes on protein structure and function output the following: SIFT: "Tolerated"; PolyPhen-2: "Benign"; Align-GVGD: "Class C0". The valine amino acid residue is found in multiple mammalian species, which suggests that this missense change does not adversely affect protein function. In summary, the available evidence is currently insufficient to determine the role of this variant in disease. Therefore, it has been classified as a Variant of Uncertain Significance.

NM_206933.4(USH2A):c.10777A>G (p.Ile3593Val)

Gene: USH2A (usherin; minus strand). Cytogenetic location: 1q41.
Variant type: single nucleotide variant.
Coding change: c.10777A>G on transcript NM_206933.4 (MANE Select); coding-DNA position 10777, A replaced by G.
Protein change: p.Ile3593Val; replaces isoleucine 3593 with valine.
Molecular consequence: missense variant.
Genome position (GRCh38, 1-based): chr1:215,780,005, T>C on the plus strand (A>G on the coding strand, the complement: USH2A is on the minus strand). VCF-style: chr1-215780005-T-C. GRCh37 (hg19) VCF-style: chr1-215953347-T-C.
Other names: short protein forms I3593V.
Identifiers: ClinVar variation 1502526 (VCV001502526.3), dbSNP rs746312367, ClinGen allele CA1393923.
Genomic context (GRCh38, chr1:215,780,005, plus strand): 5'-GGACACTCCAGCTCAGATGCAGAGCCACTGCACTTAGGGCTGTGATGCTTGGTGGCAGGA[T>C]GCTCTCCGGAACTCCTTGGGTAGTAGCTGCAACTACCTGAAGACGTAGGAATTAAGCAGC-3'
Protein context (NP_996816.3, residues 3583-3603): AATTQGVPES[Ile3593Val]LPPSITALSA